The following is an entry in ClinVar:

ClinVar aggregate classification (germline): Uncertain significance. Review status: criteria provided, multiple submitters, no conflicts (2 of 4 stars). 3 submissions from 3 submitters: Uncertain significance (2). 1 of the submissions does not count toward it. Last evaluated 2024-09-25.

Conditions:
Zellweger spectrum disorders (ZS). Also called: Zellweger Spectrum Disorder; Zellweger Spectrum; Zellweger Spectrum Disorder (ZSD); Zellweger syndrome. Identifiers: Orphanet 912, MedGen C0043459, MONDO:0019609.
Inborn genetic diseases. Identifiers: MedGen C0950123, MeSH D030342.

Allele frequency attached by ClinVar (database versions not stated): ExAC 0.00002; TOPMed 0.00003; gnomAD 0.00005; ESP Exome Variant Server 0.00008; 1000 Genomes Project 30x 0.00016; 1000 Genomes Project 0.00020.
gnomAD v4.1: 11 of 1,610,188 alleles (0.00068%); highest among the groups gnomAD compares: African/African-American, 0.008%; no homozygotes.

Submissions (3):

Ambry Genetics
Classification: Uncertain significance for Inborn genetic diseases. Last evaluated: 2024-09-25. Review status: criteria provided, single submitter. Criteria: Ambry Variant Classification Scheme 2023. Collection method: clinical testing. Allele origin: germline.

Labcorp Genetics (formerly Invitae), Labcorp
Classification: Uncertain significance for Zellweger spectrum disorders. Last evaluated: 2022-09-27. Review status: criteria provided, single submitter. Criteria: Invitae Variant Classification Sherloc (09022015). Collection method: clinical testing. Allele origin: germline.
Comment: This sequence change replaces serine, which is neutral and polar, with tyrosine, which is neutral and polar, at codon 102 of the PEX1 protein (p.Ser102Tyr). This variant is present in population databases (rs143369243, gnomAD 0.02%). This variant has not been reported in the literature in individuals affected with PEX1-related conditions. ClinVar contains an entry for this variant (Variation ID: 1058531). Advanced modeling of protein sequence and biophysical properties (such as structural, functional, and spatial information, amino acid conservation, physicochemical variation, residue mobility, and thermodynamic stability) performed at Invitae indicates that this missense variant is expected to disrupt PEX1 protein function. In summary, the available evidence is currently insufficient to determine the role of this variant in disease. Therefore, it has been classified as a Variant of Uncertain Significance.

Natera, Inc.
Classification: Uncertain significance for Zellweger syndrome. Last evaluated: 2018-05-15. Review status: no assertion criteria provided. Collection method: clinical testing. Allele origin: germline. Not counted in ClinVar's aggregate classification.

NM_000466.3(PEX1):c.305C>A (p.Ser102Tyr)

Gene: PEX1 (peroxisomal biogenesis factor 1; minus strand). Cytogenetic location: 7q21.2.
Variant type: single nucleotide variant.
Coding change: c.305C>A on transcript NM_000466.3 (MANE Select); coding-DNA position 305, C replaced by A.
Protein change: p.Ser102Tyr; replaces serine 102 with tyrosine.
Molecular consequence: missense variant. On other transcripts: 5 prime UTR variant (1).
Genome position (GRCh38, 1-based): chr7:92,519,047, G>T on the plus strand (C>A on the coding strand, the complement: PEX1 is on the minus strand). VCF-style: chr7-92519047-G-T. GRCh37 (hg19) VCF-style: chr7-92148361-G-T.
Other names: c.305C>A, p.Ser102Tyr (NM_001282677.2); c.-355C>A (NM_001282678.2); c.305C>A (NM_000466.2); short protein forms S102Y.
Identifiers: ClinVar variation 1058531 (VCV001058531.9), dbSNP rs143369243, ClinGen allele CA4341639.